The following is an entry in ClinVar:

NM_001384732.1(CPLANE1):c.6328A>G (p.Asn2110Asp)

Gene: CPLANE1 (ciliogenesis and planar polarity effector complex subunit 1; minus strand). Cytogenetic location: 5p13.2.
Variant type: single nucleotide variant.
Coding change: c.6328A>G on transcript NM_001384732.1 (MANE Select); coding-DNA position 6328, A replaced by G.
Protein change: p.Asn2110Asp; replaces asparagine 2110 with aspartic acid.
Molecular consequence: missense variant.
Genome position (GRCh38, 1-based): chr5:37,170,175, T>C on the plus strand (A>G on the coding strand, the complement: CPLANE1 is on the minus strand). VCF-style: chr5-37170175-T-C. GRCh37 (hg19) VCF-style: chr5-37170277-T-C.
Other names: c.6328A>G, p.Asn2110Asp (NM_023073.4); short protein forms N2110D.
Identifiers: ClinVar variation 452723 (VCV000452723.15), dbSNP rs139528477, ClinGen allele CA3238282.

ClinVar aggregate classification (germline): Conflicting classifications of pathogenicity. Review status: criteria provided, conflicting classifications (1 of 4 stars). 5 submissions from 5 submitters: Uncertain significance (1); Likely benign (3). 1 of the submissions does not count toward it. Last evaluated 2026-01-20.

Conditions:
CPLANE1-related disorder. Also called: CPLANE1-related condition.
Joubert syndrome 17 (JBTS17). Identifiers: Orphanet 475, MedGen C3553264, MONDO:0013824, OMIM 614615.

Allele frequency attached by ClinVar (database versions not stated): gnomAD exomes 0.00006 and 0.00018; ExAC 0.00018; ESP Exome Variant Server 0.00031; gnomAD 0.00046 and 0.00053; TOPMed 0.00073; 1000 Genomes Project 0.00080; 1000 Genomes Project 30x 0.00094.
gnomAD v4.1: 168 of 1,614,212 alleles (0.01%); highest among the groups gnomAD compares: African/African-American, 0.16%; no homozygotes.

Submissions (5):

Labcorp Genetics (formerly Invitae), Labcorp
Classification: Likely benign. Last evaluated: 2026-01-20. Review status: criteria provided, single submitter. Criteria: Invitae Variant Classification Sherloc (09022015). Collection method: clinical testing. Allele origin: germline.

Blueprint Genetics
Classification: Likely benign. Last evaluated: 2024-05-27. Review status: criteria provided, single submitter. Criteria: ACMG Guidelines, 2015. Collection method: clinical testing. Allele origin: germline.

Baylor Genetics
Classification: Uncertain significance for Joubert syndrome 17. Last evaluated: 2020-11-16. Review status: criteria provided, single submitter. Criteria: ACMG Guidelines, 2015. Collection method: clinical testing. Allele origin: paternal. Affected: yes.
Comment: This variant was determined to be of uncertain significance according to ACMG Guidelines, 2015 [PMID:25741868].

GeneDx
Classification: Likely benign. Last evaluated: 2017-12-20. Review status: criteria provided, single submitter. Criteria: GeneDx Variant Classification (06012015). Collection method: clinical testing. Allele origin: germline. Affected: yes.
Comment: This variant is considered likely benign or benign based on one or more of the following criteria: it is a conservative change, it occurs at a poorly conserved position in the protein, it is predicted to be benign by multiple in silico algorithms, and/or has population frequency not consistent with disease.

PreventionGenetics, part of Exact Sciences
Classification: Likely benign for CPLANE1-related condition. Last evaluated: 2022-04-12. Review status: no assertion criteria provided. Collection method: clinical testing. Allele origin: germline. Not counted in ClinVar's aggregate classification.
Comment: This variant is classified as likely benign based on ACMG/AMP sequence variant interpretation guidelines (Richards et al. 2015 PMID: 25741868, with internal and published modifications).